The following is an entry in ClinVar:

ClinVar aggregate classification (germline): Conflicting classifications of pathogenicity. Review status: criteria provided, conflicting classifications (1 of 4 stars). 8 submissions from 8 submitters: Uncertain significance (4); Likely benign (3). 1 of the submissions does not count toward it. Last evaluated 2026-01-19.

Conditions:
EYS-related disorder. Also called: EYS-related condition.
Inborn genetic diseases. Identifiers: MedGen C0950123, MeSH D030342.
Retinitis pigmentosa (RP). Identifiers: Orphanet 791, MedGen C0035334, MeSH D012174, MONDO:0019200, OMIM 268000. Inheritance: Autosomal dominant, autosomal recessive and X linked inheritance.
Retinitis pigmentosa 25 (RP25). Identifiers: Orphanet 791, MedGen C1864446, MONDO:0011272, OMIM 602772.

Allele frequency attached by ClinVar (database versions not stated): TOPMed 0.00123; ESP Exome Variant Server 0.00131; gnomAD exomes 0.00027 and 0.00010; gnomAD 0.00128 and 0.00132; 1000 Genomes Project 0.00280; ExAC 0.00066; 1000 Genomes Project 30x 0.00281.
gnomAD v4.1: 335 of 1,551,298 alleles (0.022%); highest among the groups gnomAD compares: African/African-American, 0.44%; no homozygotes.

Submissions (8):

Labcorp Genetics (formerly Invitae), Labcorp
Classification: Likely benign. Last evaluated: 2026-01-19. Review status: criteria provided, single submitter. Criteria: Invitae Variant Classification Sherloc (09022015). Collection method: clinical testing. Allele origin: germline.

Ambry Genetics
Classification: Uncertain significance for Inborn genetic diseases. Last evaluated: 2025-02-04. Review status: criteria provided, single submitter. Criteria: Ambry Variant Classification Scheme 2023. Collection method: clinical testing. Allele origin: germline.

PreventionGenetics, part of Exact Sciences
Classification: Likely benign for EYS-related condition. Last evaluated: 2024-10-22. Review status: criteria provided, single submitter. Criteria: ACMG Guidelines, 2015. Collection method: clinical testing. Allele origin: germline.
Comment: This variant is classified as likely benign based on ACMG/AMP sequence variant interpretation guidelines (Richards et al. 2015 PMID: 25741868, with internal and published modifications).

Blueprint Genetics
Classification: Likely benign. Last evaluated: 2024-03-19. Review status: criteria provided, single submitter. Criteria: ACMG Guidelines, 2015. Collection method: clinical testing. Allele origin: germline.

Department of Pathology and Laboratory Medicine, Sinai Health System
Classification: Uncertain significance for Retinitis pigmentosa 25. Last evaluated: 2021-07-30. Review status: criteria provided, single submitter. Criteria: ACMG Guidelines, 2015. Collection method: research. Allele origin: germline.

Illumina Laboratory Services, Illumina
Classification: Uncertain significance for Retinitis pigmentosa. Last evaluated: 2018-01-12. Review status: criteria provided, single submitter. Criteria: ICSL Variant Classification Criteria 13 December 2019. Collection method: clinical testing. Allele origin: germline.

Eurofins Ntd Llc (ga)
Classification: Uncertain significance. Last evaluated: 2014-01-31. Review status: criteria provided, single submitter. Criteria: EGL Classification Definitions 2015. Collection method: clinical testing. Allele origin: germline. Observed: 1 variant allele, 1 heterozygote.

Natera, Inc.
Classification: Uncertain significance for Retinitis pigmentosa type 25. Last evaluated: 2020-01-24. Review status: no assertion criteria provided. Collection method: clinical testing. Allele origin: germline. Not counted in ClinVar's aggregate classification.

NM_001142800.2(EYS):c.5474C>A (p.Thr1825Asn)

Gene: EYS (EGF-like photoreceptor maintenance factor; minus strand). Cytogenetic location: 6q12.
Variant type: single nucleotide variant.
Coding change: c.5474C>A on transcript NM_001142800.2 (MANE Select); coding-DNA position 5474, C replaced by A.
Protein change: p.Thr1825Asn; replaces threonine 1825 with asparagine.
Molecular consequence: missense variant.
Genome position (GRCh38, 1-based): chr6:64,590,393, G>T on the plus strand (C>A on the coding strand, the complement: EYS is on the minus strand). VCF-style: chr6-64590393-G-T. GRCh37 (hg19) VCF-style: chr6-65300286-G-T.
Other names: c.5474C>A, p.Thr1825Asn (NM_001292009.2); short protein forms T1825N.
Identifiers: ClinVar variation 167050 (VCV000167050.25), dbSNP rs182151153, ClinGen allele CA233962.